The following is an entry in ClinVar:

ClinVar aggregate classification (germline): Likely pathogenic (1 of 4 stars; one submission).

Submission:

GeneDx
Classification: Likely pathogenic. Last evaluated: 2017-03-07. Review status: criteria provided, single submitter. Criteria: GeneDx Variant Classification (06012015). Collection method: clinical testing. Allele origin: germline. Affected: yes.
Comment: The W104S variant in the SMARCE1 gene has not been reported previously as a pathogenic variant, nor as a benign variant, to our knowledge. The W104S variant is not observed in large population cohorts (Lek et al., 2016; 1000 Genomes Consortium et al., 2015; Exome Variant Server). The W104S variant is a non-conservative amino acid substitution, which is likely to impact secondary protein structure as these residues differ in polarity, charge, size and/or other properties. This substitution occurs at a position that is conserved across species, and in silico analysis predicts this variant is probably damaging to the protein structure/function. The W104S variant is a strong candidate for a pathogenic variant, consistent with the clinical features reported in this individual.

NM_003079.5(SMARCE1):c.311G>C (p.Trp104Ser)

Gene: SMARCE1 (SWI/SNF related, matrix associated, actin dependent regulator of chromatin, subfamily e, member 1; minus strand). Cytogenetic location: 17q21.2.
Variant type: single nucleotide variant.
Coding change: c.311G>C on transcript NM_003079.5 (MANE Select); coding-DNA position 311, G replaced by C.
Protein change: p.Trp104Ser; replaces tryptophan 104 with serine.
Molecular consequence: missense variant.
Genome position (GRCh38, 1-based): chr17:40,636,453, C>G on the plus strand (G>C on the coding strand, the complement: SMARCE1 is on the minus strand). VCF-style: chr17-40636453-C-G. GRCh37 (hg19) VCF-style: chr17-38792705-C-G.
Other names: short protein forms W104S.
Identifiers: ClinVar variation 424096 (VCV000424096.2), dbSNP rs397509407, ClinGen allele CA16620402.
Genomic context (GRCh38, chr17:40,636,453, plus strand): 5'-ACCTTTTCTGCTTCGTATTCGTTTAAATATTCTTGTTTTTCTTCATCAGTGAGATCTCGC[C>G]ACATGCCACCAATAATCTTGCCAATCTCCCACAACTTTAGGTCAGGGTTGGAAGCCTTTA-3'
Protein context (NP_003070.3, residues 94-114): WEIGKIIGGM[Trp104Ser]RDLTDEEKQE